The following is an entry in ClinVar:

ClinVar aggregate classification (germline): Conflicting classifications of pathogenicity. Review status: criteria provided, conflicting classifications (1 of 4 stars). 8 submissions from 8 submitters: Uncertain significance (7); Likely benign (1). Last evaluated 2026-01-09.

Conditions:
Cardiovascular phenotype. Identifiers: MedGen CN230736.
Dilated cardiomyopathy 1M (CMD1M). Identifiers: Orphanet 154, MedGen C1843808, MONDO:0011840, OMIM 607482.
Hypertrophic cardiomyopathy 12. Identifiers: MedGen C2677491, MONDO:0012804, OMIM 612124.
Cardiomyopathy (CMYO). Also called: Cardiomyopathies. Identifiers: Orphanet 167848, MedGen C0878544, MONDO:0004994, HP:0001638. Inheritance: Various modes of inheritance.

Allele frequency attached by ClinVar (database versions not stated): TOPMed 0.00005; gnomAD 0.00009; ESP Exome Variant Server 0.00015; 1000 Genomes Project 0.00020; 1000 Genomes Project 30x 0.00031.
gnomAD v4.1: 74 of 1,613,528 alleles (0.0046%); highest among the groups gnomAD compares: Middle Eastern, 0.072%; 1 homozygote.

Submissions (8):

Institute of Human Genetics, University of Leipzig Medical Center
Classification: Uncertain significance for Hypertrophic cardiomyopathy 12. Last evaluated: 2026-01-09. Review status: criteria provided, single submitter. Criteria: ACMG Guidelines, 2015. Collection method: clinical testing. Allele origin: unknown. Affected: yes.
Comment: Criteria applied: PM1_SUP,PP3,PP4

Labcorp Genetics (formerly Invitae), Labcorp
Classification: Uncertain significance for Hypertrophic cardiomyopathy 12; Dilated cardiomyopathy 1M. Last evaluated: 2025-11-17. Review status: criteria provided, single submitter. Criteria: Invitae Variant Classification Sherloc (09022015). Collection method: clinical testing. Allele origin: germline.
Comment: This sequence change replaces arginine, which is basic and polar, with cysteine, which is neutral and slightly polar, at codon 64 of the CSRP3 protein (p.Arg64Cys). This variant is present in population databases (rs368392588, gnomAD 0.01%). This missense change has been observed in individuals with clinical features of CSRP3-related conditions (PMID: 16352453, 35352813; internal data). ClinVar contains an entry for this variant (Variation ID: 520355). An algorithm developed to predict the effect of missense changes on protein structure and function (PolyPhen-2) suggests that this variant is likely to be disruptive. In summary, the available evidence is currently insufficient to determine the role of this variant in disease. Therefore, it has been classified as a Variant of Uncertain Significance.

Ambry Genetics
Classification: Uncertain significance for Cardiovascular phenotype. Last evaluated: 2025-06-25. Review status: criteria provided, single submitter. Criteria: Ambry Variant Classification Scheme 2023. Collection method: clinical testing. Allele origin: germline.
Comment: The p.R64C variant (also known as c.190C>T), located in coding exon 2 of the CSRP3 gene, results from a C to T substitution at nucleotide position 190. The arginine at codon 64 is replaced by cysteine, an amino acid with highly dissimilar properties. This alteration has been reported in an individual with hypertrophic cardiomyopathy (Bos JM et al. Mol. Genet. Metab., 2006 May;88:78-85). This variant has also been seen in exome cohorts not selected for the presence of cardiovascular disease, but clinical details were limited (Andreasen C et al. Eur. J. Hum. Genet., 2013 Sep;21:918-28; Kars ME et al. Proc Natl Acad Sci U S A. 2021 09;118(36)). Functional studies suggest a difference from the wild-type; however, additional evidence is needed to confirm this finding (St&oslash;le TP et al. Cells, 2024 May;13:).This amino acid position is not well conserved in available vertebrate species. In addition, this alteration is predicted to be deleterious by in silico analysis. Since supporting evidence is limited at this time, the clinical significance of this alteration remains unclear.

Molecular Diagnostic Laboratory for Inherited Cardiovascular Disease, Montreal Heart Institute
Classification: Uncertain significance for Cardiovascular phenotype. Last evaluated: 2025-04-08. Review status: criteria provided, single submitter. Criteria: ACMG Guidelines, 2015. Collection method: clinical testing. Allele origin: germline. Affected: yes.
Comment: PP3, BS1

Blueprint Genetics
Classification: Likely benign. Last evaluated: 2024-03-13. Review status: criteria provided, single submitter. Criteria: ACMG Guidelines, 2015. Collection method: clinical testing. Allele origin: germline.

GeneDx
Classification: Uncertain significance. Last evaluated: 2024-01-22. Review status: criteria provided, single submitter. Criteria: GeneDx Variant Classification Process June 2021. Collection method: clinical testing. Allele origin: germline. Affected: yes.
Comment: Identified in patients with HCM and unexplained cardiac arrest (UCA) in the published literature (PMID: 30012424, 16352453, 35352813); In silico analysis supports that this missense variant has a deleterious effect on protein structure/function; This variant is associated with the following publications: (PMID: 23299917, 16352453, 34426522, Kui2024[article], 35241752, 30012424, 35352813)

Fulgent Genetics
Classification: Uncertain significance for Dilated cardiomyopathy 1M; Hypertrophic cardiomyopathy 12. Last evaluated: 2021-08-09. Review status: criteria provided, single submitter. Criteria: ACMG Guidelines, 2015. Collection method: clinical testing. Allele origin: unknown.

CHEO Genetics Diagnostic Laboratory, Children's Hospital of Eastern Ontario
Classification: Uncertain significance for Cardiomyopathy. Last evaluated: 2019-03-05. Review status: criteria provided, single submitter. Criteria: ACMG Guidelines, 2015. Collection method: clinical testing. Allele origin: germline.

Literature cited by the submitters: PubMed 16352453 (cited by Labcorp Genetics (formerly Invitae), Labcorp and Ambry Genetics); PubMed 35352813 (cited by Labcorp Genetics (formerly Invitae), Labcorp and Ambry Genetics); PubMed 23299917 (cited by Ambry Genetics); PubMed 34426522 (cited by Ambry Genetics); PubMed 38891079 (cited by Ambry Genetics).

NM_003476.5(CSRP3):c.190C>T (p.Arg64Cys)

Gene: CSRP3 (cysteine and glycine rich protein 3; minus strand). Cytogenetic location: 11p15.1.
Variant type: single nucleotide variant.
Coding change: c.190C>T on transcript NM_003476.5 (MANE Select); coding-DNA position 190, C replaced by T.
Protein change: p.Arg64Cys; replaces arginine 64 with cysteine.
Molecular consequence: missense variant. On other transcripts: intron variant (1).
Genome position (GRCh38, 1-based): chr11:19,188,227, G>A on the plus strand (C>T on the coding strand, the complement: CSRP3 is on the minus strand). VCF-style: chr11-19188227-G-A. GRCh37 (hg19) VCF-style: chr11-19209774-G-A.
Other names: c.190C>T (LRG_440t1); c.113-1879C>T (NM_001369404.1); short protein forms R64C.
Identifiers: ClinVar variation 520355 (VCV000520355.26), dbSNP rs368392588, ClinGen allele CA5916628.
Genomic context (GRCh38, chr11:19,188,227, plus strand): 5'-TGTCTGTGCTGAGACAGCCAGCGCCTTGTCCATACCCGATCCCTTTGGGGCCATATCTGC[G>A]CCCATAGCACACCTTGCAGTAGATCTCCGACTCATGAGCCGCGACTGTCGTGCTGTCAAG-3'
Protein context (NP_003467.1, residues 54-74): SEIYCKVCYG[Arg64Cys]RYGPKGIGYG